The following is an entry in ClinVar:

NM_152594.3(SPRED1):c.*3647T>G

Gene: SPRED1 (sprouty related EVH1 domain containing 1; plus strand). Cytogenetic location: 15q14.
Variant type: single nucleotide variant.
Coding change: c.*3647T>G on transcript NM_152594.3 (MANE Select); 3647 bases downstream of the stop codon, T replaced by G.
Molecular consequence: 3 prime UTR variant.
Genome position (GRCh38, 1-based): chr15:38,355,311, T>G. VCF-style: chr15-38355311-T-G. GRCh37 (hg19) VCF-style: chr15-38647512-T-G.
Identifiers: ClinVar variation 315772 (VCV000315772.29), dbSNP rs186366365, ClinGen allele CA10645819.

ClinVar aggregate classification (germline): Conflicting classifications of pathogenicity. Review status: criteria provided, conflicting classifications (1 of 4 stars). 2 submissions from 2 submitters: Uncertain significance (1); Likely benign (1). Last evaluated 2023-04-01.

Conditions:
Legius syndrome. Identifiers: Orphanet 137605, MedGen C1969623, MONDO:0012669, OMIM 611431. Disease mechanism: loss of function.

Allele frequency attached by ClinVar (database versions not stated): 1000 Genomes Project 0.00020; 1000 Genomes Project 30x 0.00031; TOPMed 0.00087.

Submissions (2):

CeGaT Center for Human Genetics Tuebingen
Classification: Likely benign. Last evaluated: 2023-04-01. Review status: criteria provided, single submitter. Criteria: CeGaT Center For Human Genetics Tuebingen Variant Classification Criteria Version 2. Collection method: clinical testing. Allele origin: germline. Affected: yes. Observed: 1 variant allele.
Comment: SPRED1: BS1

Illumina Laboratory Services, Illumina
Classification: Uncertain significance for Legius syndrome. Last evaluated: 2018-01-13. Review status: criteria provided, single submitter. Criteria: ICSL Variant Classification Criteria 13 December 2019. Collection method: clinical testing. Allele origin: germline.